The following is an entry in ClinVar:

NM_001243133.2(NLRP3):c.3091G>C (p.Glu1031Gln)

Gene: NLRP3 (NLR family pyrin domain containing 3; plus strand). Cytogenetic location: 1q44.
Variant type: single nucleotide variant.
Coding change: c.3091G>C on transcript NM_001243133.2 (MANE Select); coding-DNA position 3091, G replaced by C.
Protein change: p.Glu1031Gln; replaces glutamic acid 1031 with glutamine.
Molecular consequence: missense variant.
Genome position (GRCh38, 1-based): chr1:247,448,490, G>C. VCF-style: chr1-247448490-G-C. GRCh37 (hg19) VCF-style: chr1-247611792-G-C.
Other names: c.3091G>C, p.Glu1031Gln (NM_001079821.3); c.2920G>C, p.Glu974Gln (NM_001127461.3, NM_001127462.3); c.3097G>C, p.Glu1033Gln (NM_004895.5); c.2749G>C, p.Glu917Gln (NM_183395.3); short protein forms E1031Q, E1033Q, E917Q, E974Q.
Identifiers: ClinVar variation 811144 (VCV000811144.15), dbSNP rs1572239975, ClinGen allele CA345567070.

ClinVar aggregate classification (germline): Uncertain significance. Review status: criteria provided, multiple submitters, no conflicts (2 of 4 stars). 2 submissions from 2 submitters: Uncertain significance (2). Last evaluated 2024-10-14.

Conditions:
Cryopyrin associated periodic syndrome (CAPS). Identifiers: Orphanet 208650, MedGen C2316212, MONDO:0016168.

Submissions (2):

Labcorp Genetics (formerly Invitae), Labcorp
Classification: Uncertain significance for Cryopyrin associated periodic syndrome. Last evaluated: 2024-10-14. Review status: criteria provided, single submitter. Criteria: Invitae Variant Classification Sherloc (09022015). Collection method: clinical testing. Allele origin: germline.
Comment: This sequence change replaces glutamic acid, which is acidic and polar, with glutamine, which is neutral and polar, at codon 1033 of the NLRP3 protein (p.Glu1033Gln). This variant is not present in population databases (gnomAD no frequency). This variant has not been reported in the literature in individuals affected with NLRP3-related conditions. ClinVar contains an entry for this variant (Variation ID: 811144). Invitae Evidence Modeling of protein sequence and biophysical properties (such as structural, functional, and spatial information, amino acid conservation, physicochemical variation, residue mobility, and thermodynamic stability) indicates that this missense variant is not expected to disrupt NLRP3 protein function with a negative predictive value of 95%. In summary, the available evidence is currently insufficient to determine the role of this variant in disease. Therefore, it has been classified as a Variant of Uncertain Significance.

ARUP Laboratories, Molecular Genetics and Genomics, ARUP Laboratories
Classification: Uncertain significance. Last evaluated: 2018-10-09. Review status: criteria provided, single submitter. Criteria: ARUP Molecular Germline Variant Investigation Process. Collection method: clinical testing. Allele origin: germline.
Comment: The NLRP3 c.3097G>C; p.Glu1033Gln variant, to our knowledge, is not reported in the medical literature or gene specific databases. This variant is also absent from general population databases (1000 Genomes Project, Exome Variant Server, and Genome Aggregation Database), indicating it is not a common polymorphism. The glutamic acid at this position is highly conserved and computational analyses (SIFT, PolyPhen-2) predict that this variant is deleterious. Considering available information, the clinical significance of this variant is uncertain.